The following is an entry in ClinVar:

NM_001349798.2(FBXW7):c.431C>T (p.Thr144Met)

Gene: FBXW7 (F-box and WD repeat domain containing 7; minus strand). Cytogenetic location: 4q31.3.
Variant type: single nucleotide variant.
Coding change: c.431C>T on transcript NM_001349798.2 (MANE Select); coding-DNA position 431, C replaced by T.
Protein change: p.Thr144Met; replaces threonine 144 with methionine.
Molecular consequence: missense variant.
Genome position (GRCh38, 1-based): chr4:152,411,373, G>A on the plus strand (C>T on the coding strand, the complement: FBXW7 is on the minus strand). VCF-style: chr4-152411373-G-A. GRCh37 (hg19) VCF-style: chr4-153332525-G-A.
Other names: c.431C>T, p.Thr144Met (NM_001257069.1, NM_033632.3); short protein forms T144M.
Identifiers: ClinVar variation 4752557 (VCV004752557.1).

ClinVar aggregate classification (germline): Uncertain significance (1 of 4 stars; one submission).

gnomAD v4.1: 46 of 1,613,412 alleles (0.0029%); highest among the groups gnomAD compares: Middle Eastern, 0.016%; no homozygotes.

Submission:

Labcorp Genetics (formerly Invitae), Labcorp
Classification: Uncertain significance. Last evaluated: 2025-02-26. Review status: criteria provided, single submitter. Criteria: Invitae Variant Classification Sherloc (09022015). Collection method: clinical testing. Allele origin: germline.
Comment: This sequence change replaces threonine, which is neutral and polar, with methionine, which is neutral and non-polar, at codon 144 of the FBXW7 protein (p.Thr144Met). This variant is present in population databases (rs7660281, gnomAD 0.03%). This variant has not been reported in the literature in individuals affected with FBXW7-related conditions. Experimental studies and prediction algorithms are not available or were not evaluated, and the functional significance of this variant is currently unknown. In summary, the available evidence is currently insufficient to determine the role of this variant in disease. Therefore, it has been classified as a Variant of Uncertain Significance.